The following is an entry in ClinVar:

ClinVar aggregate classification (germline): Benign. Review status: criteria provided, single submitter (1 of 4 stars). 2 submissions from 1 submitter: Benign (1). 1 of the submissions does not count toward it. Last evaluated 2015-03-03.

Submissions (2):

GeneDx
Classification: Benign. Last evaluated: 2015-03-03. Review status: criteria provided, single submitter. Criteria: GeneDx Variant Classification Process June 2021. Collection method: clinical testing. Allele origin: germline. Affected: yes.

GeneDx
Classification: Benign. Last evaluated: 2013-10-16. Review status: flagged submission. Criteria: GeneDx Variant Classification (06012015). Collection method: clinical testing. Allele origin: germline. Affected: yes. Not counted in ClinVar's aggregate classification.
Comment: The variant is found in INFANT-EPI,EPILEPSY panel(s).
ClinVar note: Reason: This record appears to be redundant with a more recent record from the same submitter.
ClinVar note: Notes: SCV000241425 appears to be redundant with SCV001914019.

NM_172107.3(KCNQ2):c.1302-18_1302-17insCGTCTGTC

Gene: KCNQ2 (potassium voltage-gated channel subfamily Q member 2; minus strand). Cytogenetic location: 20q13.33.
Variant type: Insertion.
Coding change: c.1302-18_1302-17insCGTCTGTC on transcript NM_172107.3; 18 bases into the intron before coding-DNA position 1302 through 17 bases into the intron before coding-DNA position 1302, CGTCTGTC inserted.
Molecular consequence: intron variant (on NM_172107.4).
Genome position: GRCh38 VCF-style: chr20-63415143-C-CGACAGACG. GRCh37 (hg19) VCF-style: chr20-62046496-C-CGACAGACG.
Other names: c.1218-18_1218-17insGTCTGTCC (NM_004518.6); c.1248-54_1248-53insGTCTGTCC (NM_172108.5); c.1248-18_1248-17insGTCTGTCC (NM_172106.3); c.1302-18_1302-17insGTCTGTCC (NM_172107.4).
Identifiers: ClinVar variation 205839 (VCV000205839.3), dbSNP rs1555854857, ClinGen allele CA315301.